The following is an entry in ClinVar:

ClinVar aggregate classification (germline): Uncertain significance (1 of 4 stars; one submission).

Submission:

GeneDx
Classification: Uncertain significance. Last evaluated: 2020-04-21. Review status: criteria provided, single submitter. Criteria: GeneDx Variant Classification Process June 2021. Collection method: clinical testing. Allele origin: germline. Affected: yes.
Comment: Not observed in large population cohorts (Lek et al., 2016); In silico analysis supports that this missense variant has a deleterious effect on protein structure/function; Has not been previously published as pathogenic or benign to our knowledge

NM_000369.5(TSHR):c.1715T>G (p.Met572Arg)

Genes: TSHR (thyroid stimulating hormone receptor; plus strand), TSHR-AS1 (TSHR antisense RNA 1; minus strand). Cytogenetic location: 14q31.1.
Variant type: single nucleotide variant.
Coding change: c.1715T>G on transcript NM_000369.5 (MANE Select); coding-DNA position 1715, T replaced by G.
Protein change: p.Met572Arg; replaces methionine 572 with arginine.
Molecular consequence: missense variant.
Genome position (GRCh38, 1-based): chr14:81,143,773, T>G. VCF-style: chr14-81143773-T-G. GRCh37 (hg19) VCF-style: chr14-81610117-T-G.
Other names: short protein forms M572R.
Identifiers: ClinVar variation 1312597 (VCV001312597.2), dbSNP rs2140112304, ClinGen allele CA390728470.